The following is an entry in ClinVar:

NM_177438.3(DICER1):c.1625A>G (p.Glu542Gly)

Gene: DICER1 (dicer 1, ribonuclease III; minus strand). Cytogenetic location: 14q32.13.
Variant type: single nucleotide variant.
Coding change: c.1625A>G on transcript NM_177438.3 (MANE Select); coding-DNA position 1625, A replaced by G.
Protein change: p.Glu542Gly; replaces glutamic acid 542 with glycine.
Molecular consequence: missense variant.
Genome position (GRCh38, 1-based): chr14:95,116,580, T>C on the plus strand (A>G on the coding strand, the complement: DICER1 is on the minus strand). VCF-style: chr14-95116580-T-C. GRCh37 (hg19) VCF-style: chr14-95582917-T-C.
Other names: c.1625A>G, p.Glu542Gly (NM_001195573.1, NM_001271282.3, NM_001291628.2 and 1 more transcripts); short protein forms E542G.
Identifiers: ClinVar variation 477048 (VCV000477048.18), dbSNP rs761391603, ClinGen allele CA7331447.

ClinVar aggregate classification (germline): Uncertain significance. Review status: criteria provided, multiple submitters, no conflicts (2 of 4 stars). 4 submissions from 4 submitters: Uncertain significance (4). Last evaluated 2026-01-12.

Conditions:
DICER1-related tumor predisposition. Also called: DICER1-related pleuropulmonary blastoma cancer predisposition syndrome; DICER1 syndrome. Identifiers: Orphanet 284343, MedGen C3839822, MONDO:0100216.
Hereditary cancer-predisposing syndrome. Also called: Tumor predisposition; Neoplastic Syndromes, Hereditary; Hereditary Cancer Syndrome; Hereditary neoplastic syndrome. Identifiers: Orphanet 140162, MedGen C0027672, MeSH D009386, MONDO:0015356.

Allele frequency attached by ClinVar (database versions not stated): gnomAD 0.00001; gnomAD exomes 0.00001 and 0.00003; TOPMed 0.00001; ExAC 0.00002.
gnomAD v4.1: 44 of 1,613,942 alleles (0.0027%); highest among the groups gnomAD compares: Non-Finnish European, 0.0036%; no homozygotes.

Submissions (4):

Labcorp Genetics (formerly Invitae), Labcorp
Classification: Uncertain significance for DICER1-related tumor predisposition. Last evaluated: 2026-01-12. Review status: criteria provided, single submitter. Criteria: Invitae Variant Classification Sherloc (09022015). Collection method: clinical testing. Allele origin: germline.
Comment: This sequence change replaces glutamic acid, which is acidic and polar, with glycine, which is neutral and non-polar, at codon 542 of the DICER1 protein (p.Glu542Gly). This variant is present in population databases (rs761391603, gnomAD 0.003%). This variant has not been reported in the literature in individuals affected with DICER1-related conditions. ClinVar contains an entry for this variant (Variation ID: 477048). Invitae Evidence Modeling of protein sequence and biophysical properties (such as structural, functional, and spatial information, amino acid conservation, physicochemical variation, residue mobility, and thermodynamic stability) indicates that this missense variant is not expected to disrupt DICER1 protein function with a negative predictive value of 95%. RNA analysis performed to evaluate the impact of this missense change on mRNA splicing indicates it does not significantly alter splicing (internal data). In summary, the available evidence is currently insufficient to determine the role of this variant in disease. Therefore, it has been classified as a Variant of Uncertain Significance.

Center for Genomic Medicine, Rigshospitalet, Copenhagen University Hospital
Classification: Uncertain significance. Last evaluated: 2025-12-29. Review status: criteria provided, single submitter. Criteria: ACMG Guidelines, 2015. Collection method: clinical testing. Allele origin: germline.

Hereditary Cancer Group, L’Institut d'Investigació Biomèdica de Bellvitge
Classification: Uncertain significance for Hereditary cancer-predisposing syndrome. Last evaluated: 2024-12-19. Review status: criteria provided, single submitter. Criteria: Hatton et al. (Hum Mutat. 2023). Collection method: clinical testing. Allele origin: germline. Inheritance: Autosomal dominant inheritance. Affected: yes.
Comment: No classification codes are met.

Ambry Genetics
Classification: Uncertain significance for Hereditary cancer-predisposing syndrome. Last evaluated: 2023-12-22. Review status: criteria provided, single submitter. Criteria: Ambry Variant Classification Scheme 2023. Collection method: clinical testing. Allele origin: germline.
Comment: The p.E542G variant (also known as c.1625A>G), located in coding exon 9 of the DICER1 gene, results from an A to G substitution at nucleotide position 1625. The glutamic acid at codon 542 is replaced by glycine, an amino acid with similar properties. This amino acid position is highly conserved in available vertebrate species. In addition, the in silico prediction for this alteration is inconclusive. Since supporting evidence is limited at this time, the clinical significance of this alteration remains unclear.